The following is an entry in ClinVar:

ClinVar aggregate classification (germline): Uncertain significance (1 of 4 stars; one submission).

Conditions:
Ehlers-Danlos syndrome, classic type, 1 (EDSCL1). Also called: Ehlers-Danlos Syndrome, Classic Type, COL5A1-Related; EHLERS-DANLOS SYNDROME, GRAVIS TYPE; EHLERS-DANLOS SYNDROME, SEVERE CLASSIC TYPE; Ehlers-Danlos syndrome, type 1; EDS I. Identifiers: MedGen C0268335, MONDO:0019567, OMIM 130000.
Osteogenesis imperfecta type I (OI1). Also called: OI, TYPE I; OSTEOGENESIS IMPERFECTA TARDA; OSTEOGENESIS IMPERFECTA WITH BLUE SCLERAE; Osteogenesis imperfecta type 1; Classic Non-deforming Osteogenesis Imperfecta with Blue Sclerae; Lobstein's Disease. Identifiers: Orphanet 216796, Orphanet 666, MedGen C0023931, MONDO:0008146, OMIM 166200. Disease mechanism: loss of function.

Allele frequency attached by ClinVar (database versions not stated): ExAC 0.00004; TOPMed 0.00001; gnomAD 0.00001.
gnomAD v4.1: 16 of 1,614,114 alleles (0.00099%); highest among the groups gnomAD compares: South Asian, 0.0022%; no homozygotes.

Submission:

Labcorp Genetics (formerly Invitae), Labcorp
Classification: Uncertain significance for Osteogenesis imperfecta type I; Ehlers-Danlos syndrome, classic type, 1. Last evaluated: 2022-03-04. Review status: criteria provided, single submitter. Criteria: Invitae Variant Classification Sherloc (09022015). Collection method: clinical testing. Allele origin: germline.
Comment: In summary, the available evidence is currently insufficient to determine the role of this variant in disease. Therefore, it has been classified as a Variant of Uncertain Significance. Advanced modeling of protein sequence and biophysical properties (such as structural, functional, and spatial information, amino acid conservation, physicochemical variation, residue mobility, and thermodynamic stability) performed at Invitae indicates that this missense variant is not expected to disrupt COL1A2 protein function. This variant has not been reported in the literature in individuals affected with COL1A2-related conditions. This variant is present in population databases (rs778238943, gnomAD 0.01%). This sequence change replaces isoleucine, which is neutral and non-polar, with valine, which is neutral and non-polar, at codon 480 of the COL1A2 protein (p.Ile480Val).

NM_000089.4(COL1A2):c.1438A>G (p.Ile480Val)

Gene: COL1A2 (collagen type I alpha 2 chain; plus strand). Cytogenetic location: 7q21.3.
Variant type: single nucleotide variant.
Coding change: c.1438A>G on transcript NM_000089.4 (MANE Select); coding-DNA position 1438, A replaced by G.
Protein change: p.Ile480Val; replaces isoleucine 480 with valine.
Molecular consequence: missense variant.
Genome position (GRCh38, 1-based): chr7:94,412,617, A>G. VCF-style: chr7-94412617-A-G. GRCh37 (hg19) VCF-style: chr7-94041929-A-G.
Other names: short protein forms I480V.
Identifiers: ClinVar variation 2146393 (VCV002146393.4), dbSNP rs778238943, ClinGen allele CA4347061.